The following is an entry in ClinVar:

NM_001355436.2(SPTB):c.5838G>A (p.Gln1946=)

Gene: SPTB (spectrin beta, erythrocytic; minus strand). Cytogenetic location: 14q23.3.
Variant type: single nucleotide variant.
Coding change: c.5838G>A on transcript NM_001355436.2 (MANE Select); coding-DNA position 5838, G replaced by A.
Protein change: p.Gln1946=; no amino-acid change (glutamine 1946 retained).
Molecular consequence: synonymous variant.
Genome position (GRCh38, 1-based): chr14:64,769,689, C>T on the plus strand (G>A on the coding strand, the complement: SPTB is on the minus strand). VCF-style: chr14-64769689-C-T. GRCh37 (hg19) VCF-style: chr14-65236407-C-T.
Other names: c.5838G>A, p.Gln1946= (NM_001024858.4, NM_001355437.2).
Identifiers: ClinVar variation 3710505 (VCV003710505.4).
Genomic context (GRCh38, chr14:64,769,689, plus strand): 5'-GCCAAGCTCCAGGCAGGCACTGAAGTTCTTGCTCCGGGTTTCAATCTCTGCATTGATGCC[C>T]TGGTGATACTTCATGAGCAGTTCCACAGAGGAGACATCCCTGGGGGACAGGAGGACAAGG-3'
Protein context (NP_001342365.1, residues 1936-1956): SSVELLMKYH[Gln1946=]GINAEIETRS

ClinVar aggregate classification (germline): Likely benign. Review status: criteria provided, multiple submitters, no conflicts (2 of 4 stars). 2 submissions from 2 submitters: Likely benign (2). Last evaluated 2026-03-01.

gnomAD v4.1: 61 of 1,614,086 alleles (0.0038%); highest among the groups gnomAD compares: Non-Finnish European, 0.005%; no homozygotes.

Submissions (2):

CeGaT Center for Human Genetics Tuebingen
Classification: Likely benign. Last evaluated: 2026-03-01. Review status: criteria provided, single submitter. Criteria: CeGaT Center For Human Genetics Tuebingen Variant Classification Criteria Version 2. Collection method: clinical testing. Allele origin: germline. Affected: yes. Observed: 1 variant allele.
Comment: SPTB: BP4, BP7

Labcorp Genetics (formerly Invitae), Labcorp
Classification: Likely benign. Last evaluated: 2025-08-19. Review status: criteria provided, single submitter. Criteria: Invitae Variant Classification Sherloc (09022015). Collection method: clinical testing. Allele origin: germline.